The following is an entry in ClinVar:

NM_019842.4(KCNQ5):c.2600C>T (p.Ser867Phe)

Gene: KCNQ5 (potassium voltage-gated channel subfamily Q member 5; plus strand). Cytogenetic location: 6q13.
Variant type: single nucleotide variant.
Coding change: c.2600C>T on transcript NM_019842.4 (MANE Select); coding-DNA position 2600, C replaced by T.
Protein change: p.Ser867Phe; replaces serine 867 with phenylalanine.
Molecular consequence: missense variant.
Genome position (GRCh38, 1-based): chr6:73,195,215, C>T. VCF-style: chr6-73195215-C-T. GRCh37 (hg19) VCF-style: chr6-73904938-C-T.
Other names: c.2573C>T, p.Ser858Phe (NM_001160130.2); c.2630C>T, p.Ser877Phe (NM_001160132.2); c.2657C>T, p.Ser886Phe (NM_001160133.2); c.2270C>T, p.Ser757Phe (NM_001160134.2); short protein forms S858F, S867F, S886F, S877F, S757F.
Identifiers: ClinVar variation 2001699 (VCV002001699.4), dbSNP rs1252164215, ClinGen allele CA364696691.

ClinVar aggregate classification (germline): Uncertain significance (1 of 4 stars; one submission).

Allele frequency attached by ClinVar (database versions not stated): TOPMed below 0.00001; gnomAD 0.00001.
gnomAD v4.1: 3 of 1,614,032 alleles (0.00019%); highest among the groups gnomAD compares: Non-Finnish European, 0.00025%; no homozygotes.

Submission:

Labcorp Genetics (formerly Invitae), Labcorp
Classification: Uncertain significance. Last evaluated: 2022-06-01. Review status: criteria provided, single submitter. Criteria: Invitae Variant Classification Sherloc (09022015). Collection method: clinical testing. Allele origin: germline.
Comment: This sequence change replaces serine, which is neutral and polar, with phenylalanine, which is neutral and non-polar, at codon 886 of the KCNQ5 protein (p.Ser886Phe). This variant is present in population databases (no rsID available, gnomAD 0.007%). This variant has not been reported in the literature in individuals affected with KCNQ5-related conditions. Algorithms developed to predict the effect of missense changes on protein structure and function are either unavailable or do not agree on the potential impact of this missense change (SIFT: "Deleterious"; PolyPhen-2: "Possibly Damaging"; Align-GVGD: "Class C0"). In summary, the available evidence is currently insufficient to determine the role of this variant in disease. Therefore, it has been classified as a Variant of Uncertain Significance.